The following is an entry in ClinVar:

NM_001023570.4(IQCB1):c.1040A>T (p.Asp347Val)

Gene: IQCB1 (IQ motif containing B1; minus strand). Cytogenetic location: 3q13.33.
Variant type: single nucleotide variant.
Coding change: c.1040A>T on transcript NM_001023570.4 (MANE Select); coding-DNA position 1040, A replaced by T.
Protein change: p.Asp347Val; replaces aspartic acid 347 with valine.
Molecular consequence: missense variant. On other transcripts: non-coding transcript variant (1).
Genome position (GRCh38, 1-based): chr3:121,790,162, T>A on the plus strand (A>T on the coding strand, the complement: IQCB1 is on the minus strand). VCF-style: chr3-121790162-T-A. GRCh37 (hg19) VCF-style: chr3-121509009-T-A.
Other names: c.641A>T, p.Asp214Val (NM_001023571.4); c.1040A>T, p.Asp347Val (NM_001319107.2); c.1040A>T (NM_001023570.2); short protein forms D214V, D347V.
Identifiers: ClinVar variation 1405574 (VCV001405574.10), dbSNP rs1362995395, ClinGen allele CA354116948.

ClinVar aggregate classification (germline): Uncertain significance. Review status: criteria provided, multiple submitters, no conflicts (2 of 4 stars). 3 submissions from 3 submitters: Uncertain significance (3). Last evaluated 2024-09-27.

Conditions:
Senior-Loken syndrome 5 (SLSN5). Identifiers: Orphanet 3156, MedGen C1836517, MONDO:0012225, OMIM 609254.
Nephronophthisis. Also called: Juvenile Nephronophthisis. Identifiers: Orphanet 655, MedGen C0687120, MONDO:0019005, HP:0000090.
Inborn genetic diseases. Identifiers: MedGen C0950123, MeSH D030342.

Allele frequency attached by ClinVar (database versions not stated): gnomAD exomes below 0.00001 and 0.00001.
gnomAD v4.1: 6 of 1,613,392 alleles (0.00037%); highest among the groups gnomAD compares: Non-Finnish European, 0.00051%; no homozygotes.

Submissions (3):

Ambry Genetics
Classification: Uncertain significance for Inborn genetic diseases. Last evaluated: 2024-09-27. Review status: criteria provided, single submitter. Criteria: Ambry Variant Classification Scheme 2023. Collection method: clinical testing. Allele origin: germline.

Fulgent Genetics
Classification: Uncertain significance for Senior-Loken syndrome 5. Last evaluated: 2024-05-03. Review status: criteria provided, single submitter. Criteria: ACMG Guidelines, 2015. Collection method: clinical testing. Allele origin: germline.

Labcorp Genetics (formerly Invitae), Labcorp
Classification: Uncertain significance for Nephronophthisis. Last evaluated: 2022-07-19. Review status: criteria provided, single submitter. Criteria: Invitae Variant Classification Sherloc (09022015). Collection method: clinical testing. Allele origin: germline.
Comment: In summary, the available evidence is currently insufficient to determine the role of this variant in disease. Therefore, it has been classified as a Variant of Uncertain Significance. Algorithms developed to predict the effect of missense changes on protein structure and function (SIFT, PolyPhen-2, Align-GVGD) all suggest that this variant is likely to be tolerated. ClinVar contains an entry for this variant (Variation ID: 1405574). This variant has not been reported in the literature in individuals affected with IQCB1-related conditions. This variant is present in population databases (no rsID available, gnomAD 0.002%). This sequence change replaces aspartic acid, which is acidic and polar, with valine, which is neutral and non-polar, at codon 347 of the IQCB1 protein (p.Asp347Val).